The following is an entry in ClinVar:

NM_002691.4(POLD1):c.1645C>T (p.Arg549Cys)

Gene: POLD1 (DNA polymerase delta 1, catalytic subunit; plus strand). Cytogenetic location: 19q13.33.
Variant type: single nucleotide variant.
Coding change: c.1645C>T on transcript NM_002691.4 (MANE Select); coding-DNA position 1645, C replaced by T.
Protein change: p.Arg549Cys; replaces arginine 549 with cysteine.
Molecular consequence: missense variant. On other transcripts: non-coding transcript variant (1).
Genome position (GRCh38, 1-based): chr19:50,407,133, C>T. VCF-style: chr19-50407133-C-T. GRCh37 (hg19) VCF-style: chr19-50910390-C-T.
Other names: c.1645C>T, p.Arg549Cys (NM_001256849.1, NM_001308632.1); c.1645C>T (NM_002691.2); short protein forms R549C.
Identifiers: ClinVar variation 469210 (VCV000469210.12), dbSNP rs775734510, ClinGen allele CA9596194.

ClinVar aggregate classification (germline): Uncertain significance. Review status: criteria provided, multiple submitters, no conflicts (2 of 4 stars). 3 submissions from 3 submitters: Uncertain significance (3). Last evaluated 2026-01-04.

Conditions:
POLD1-related polyposis and colorectal cancer syndrome (CRCS10). Also called: Colorectal cancer 10; COLORECTAL CANCER, SUSCEPTIBILITY TO, ON CHROMOSOME 19q; Colorectal cancer, susceptibility to, 10. Identifiers: Orphanet 220460, MedGen C2675481, MONDO:0012953, OMIM 612591.
Hereditary cancer-predisposing syndrome. Also called: Neoplastic Syndromes, Hereditary; Hereditary neoplastic syndrome; Tumor predisposition; Hereditary Cancer Syndrome. Identifiers: Orphanet 140162, MedGen C0027672, MeSH D009386, MONDO:0015356.

Allele frequency attached by ClinVar (database versions not stated): gnomAD 0.00001; gnomAD exomes 0.00001; ExAC 0.00002; TOPMed 0.00002.
gnomAD v4.1: 2 of 1,612,806 alleles (0.00012%); highest among the groups gnomAD compares: African/African-American, 0.0027%; no homozygotes.

Submissions (3):

Labcorp Genetics (formerly Invitae), Labcorp
Classification: Uncertain significance for POLD1-related polyposis and colorectal cancer syndrome. Last evaluated: 2026-01-04. Review status: criteria provided, single submitter. Criteria: Invitae Variant Classification Sherloc (09022015). Collection method: clinical testing. Allele origin: germline.
Comment: This sequence change replaces arginine, which is basic and polar, with cysteine, which is neutral and slightly polar, at codon 549 of the POLD1 protein (p.Arg549Cys). This variant is present in population databases (rs775734510, gnomAD 0.01%). This variant has not been reported in the literature in individuals affected with POLD1-related conditions. ClinVar contains an entry for this variant (Variation ID: 469210). Invitae Evidence Modeling of protein sequence and biophysical properties (such as structural, functional, and spatial information, amino acid conservation, physicochemical variation, residue mobility, and thermodynamic stability) indicates that this missense variant is expected to disrupt POLD1 protein function with a positive predictive value of 80%. In summary, the available evidence is currently insufficient to determine the role of this variant in disease. Therefore, it has been classified as a Variant of Uncertain Significance.

Ambry Genetics
Classification: Uncertain significance for Hereditary cancer-predisposing syndrome. Last evaluated: 2025-10-14. Review status: criteria provided, single submitter. Criteria: Ambry Variant Classification Scheme 2023. Collection method: clinical testing. Allele origin: germline.
Comment: The p.R549C variant (also known as c.1645C>T), located in coding exon 12 of the POLD1 gene, results from a C to T substitution at nucleotide position 1645. The arginine at codon 549 is replaced by cysteine, an amino acid with highly dissimilar properties. This amino acid position is conserved. In addition, the in silico prediction for this alteration is inconclusive. Since supporting evidence is limited at this time, the clinical significance of this alteration remains unclear.

GeneDx
Classification: Uncertain significance. Last evaluated: 2024-02-21. Review status: criteria provided, single submitter. Criteria: GeneDx Variant Classification Process June 2021. Collection method: clinical testing. Allele origin: germline. Affected: yes.
Comment: Not observed at significant frequency in large population cohorts (gnomAD); In silico analysis supports that this missense variant has a deleterious effect on protein structure/function; Has not been previously published as pathogenic or benign to our knowledge